The following is an entry in ClinVar:

ClinVar aggregate classification (germline): Uncertain significance. Review status: criteria provided, multiple submitters, no conflicts (2 of 4 stars). 2 submissions from 2 submitters: Uncertain significance (2). Last evaluated 2025-11-20.

Conditions:
Inborn genetic diseases. Identifiers: MedGen C0950123, MeSH D030342.
Peroxisome biogenesis disorder, complementation group K (CGK). Identifiers: MedGen C1866257, MONDO:0800365.

Allele frequency attached by ClinVar (database versions not stated): gnomAD 0.00001; TOPMed 0.00002.
gnomAD v4.1: 4 of 1,612,966 alleles (0.00025%); highest among the groups gnomAD compares: African/African-American, 0.0013%; no homozygotes.

Submissions (2):

Ambry Genetics
Classification: Uncertain significance for Inborn genetic diseases. Last evaluated: 2025-11-20. Review status: criteria provided, single submitter. Criteria: Ambry Variant Classification Scheme 2023. Collection method: clinical testing. Allele origin: germline.

Labcorp Genetics (formerly Invitae), Labcorp
Classification: Uncertain significance for Peroxisome biogenesis disorder, complementation group K. Last evaluated: 2022-07-06. Review status: criteria provided, single submitter. Criteria: Invitae Variant Classification Sherloc (09022015). Collection method: clinical testing. Allele origin: germline.
Comment: This sequence change replaces isoleucine, which is neutral and non-polar, with leucine, which is neutral and non-polar, at codon 216 of the PEX14 protein (p.Ile216Leu). This variant is not present in population databases (gnomAD no frequency). This variant has not been reported in the literature in individuals affected with PEX14-related conditions. ClinVar contains an entry for this variant (Variation ID: 1464655). Algorithms developed to predict the effect of missense changes on protein structure and function (SIFT, PolyPhen-2, Align-GVGD) all suggest that this variant is likely to be tolerated. In summary, the available evidence is currently insufficient to determine the role of this variant in disease. Therefore, it has been classified as a Variant of Uncertain Significance.

NM_004565.3(PEX14):c.646A>C (p.Ile216Leu)

Gene: PEX14 (peroxisomal biogenesis factor 14; plus strand). Cytogenetic location: 1p36.22.
Variant type: single nucleotide variant.
Coding change: c.646A>C on transcript NM_004565.3 (MANE Select); coding-DNA position 646, A replaced by C.
Protein change: p.Ile216Leu; replaces isoleucine 216 with leucine.
Molecular consequence: missense variant.
Genome position (GRCh38, 1-based): chr1:10,627,332, A>C. VCF-style: chr1-10627332-A-C. GRCh37 (hg19) VCF-style: chr1-10687389-A-C.
Other names: c.646A>C (NM_004565.2); short protein forms I216L.
Identifiers: ClinVar variation 1464655 (VCV001464655.4), dbSNP rs898010278, ClinGen allele CA17854000.
Genomic context (GRCh38, chr1:10,627,332, plus strand): 5'-GCCACCACATCCACCAACTGGATCCTGGAGTCCCAGAATATCAACGAACTCAAGTCCGAA[A>C]TTAACTCCTTGAAAGGGCTTCTTTTAAATCGGTAGGAGGGAGGAATGGGGACCCTGTTCT-3'
Protein context (NP_004556.1, residues 206-226): SQNINELKSE[Ile216Leu]NSLKGLLLNR